The following is an entry in ClinVar:

NC_000009.12:g.35658026_35658049dup

Gene: RMRP (RNA component of mitochondrial RNA processing endoribonuclease; minus strand). Cytogenetic location: 9p13.3.
Variant type: Duplication.
Genome position: GRCh38 VCF-style: chr9-35658024-C-CTCAGCTTCACAGAGTAGTATTTTA. GRCh37 (hg19) VCF-style: chr9-35658021-C-CTCAGCTTCACAGAGTAGTATTTTA.
Identifiers: ClinVar variation 663295 (VCV000663295.10), dbSNP rs1587919406, ClinGen allele CA915947446.
Genomic context (GRCh38, chr9:35,658,024, plus strand): 5'-GGGAGGAACAGAGTCCTCAGTGTGTAGCCTAGGATACAGGCCTTCAGCACGAACCACGTC[C>CTCAGCTTCACAGAGTAGTATTTTA]TCAGCTTCACAGAGTAGTATTTTATAGCCCTAAAGAAATTGTGTTTTATGATTAGGGTGA-3'

ClinVar aggregate classification (germline): Pathogenic (1 of 4 stars; one submission).

Conditions:
Anauxetic dysplasia. Identifiers: Orphanet 93347, MedGen C1846796, MONDO:0011773.

Submission:

Labcorp Genetics (formerly Invitae), Labcorp
Classification: Pathogenic for Anauxetic dysplasia. Last evaluated: 2022-07-11. Review status: criteria provided, single submitter. Criteria: Invitae Variant Classification Sherloc (09022015). Collection method: clinical testing. Allele origin: germline.
Comment: ClinVar contains an entry for this variant (Variation ID: 663295). While this particular variant has not been reported in the literature, it is located in the promoter region between the TATA box and the transcription initiation site, and other insertions and duplications immediately upstream of the coding sequence have been reported in individuals affected with cartilage-hair hypoplasia-anauxetic dysplasia (CHH-AD) spectrum disorders (PMID: 16244706, 11207361, 12107819). This variant is not present in population databases (gnomAD no frequency). This variant occurs in the RMRP gene, which encodes an RNA molecule that does not result in a protein product. While functional studies for this variant have not been reported, experimental analyses using patient derived cells, as well as in vitro transfection studies, have shown that promoter insertions result in silencing of RMRP transcription and reduced expression of the gene product (PMID: 11207361, 16254002). For these reasons, this variant has been classified as Pathogenic.

Literature cited by the submitters: PubMed 16244706; PubMed 11207361; PubMed 12107819; PubMed 16254002.